The following is an entry in ClinVar:

ClinVar aggregate classification (germline): Uncertain significance (1 of 4 stars; one submission).

Conditions:
KMT2D-related disorder. Also called: KMT2D-Related Disorders.

Submission:

PreventionGenetics, part of Exact Sciences
Classification: Uncertain significance for KMT2D-related condition. Last evaluated: 2025-10-23. Review status: criteria provided, single submitter. Criteria: ACMG Guidelines, 2015. Collection method: clinical testing. Allele origin: germline.
Comment: The KMT2D c.2552T>A variant is predicted to result in the amino acid substitution p.Leu851Gln. To our knowledge, this variant has not been reported in the literature or in a large population database (gnomAD), indicating this variant is rare. At this time, the clinical significance of this variant is uncertain due to the absence of conclusive functional and genetic evidence.

NM_003482.4(KMT2D):c.2552T>A (p.Leu851Gln)

Gene: KMT2D (lysine methyltransferase 2D; minus strand). Cytogenetic location: 12q13.12.
Variant type: single nucleotide variant.
Coding change: c.2552T>A on transcript NM_003482.4 (MANE Select); coding-DNA position 2552, T replaced by A.
Protein change: p.Leu851Gln; replaces leucine 851 with glutamine.
Molecular consequence: missense variant.
Genome position (GRCh38, 1-based): chr12:49,051,131, A>T on the plus strand (T>A on the coding strand, the complement: KMT2D is on the minus strand). VCF-style: chr12-49051131-A-T. GRCh37 (hg19) VCF-style: chr12-49444914-A-T.
Other names: short protein forms L851Q.
Identifiers: ClinVar variation 4996192 (VCV004996192.1).